The following is an entry in ClinVar:

NM_003060.4(SLC22A5):c.104C>T (p.Thr35Ile)

Gene: SLC22A5 (solute carrier family 22 member 5; plus strand). Cytogenetic location: 5q31.1.
Variant type: single nucleotide variant.
Coding change: c.104C>T on transcript NM_003060.4 (MANE Select); coding-DNA position 104, C replaced by T.
Protein change: p.Thr35Ile; replaces threonine 35 with isoleucine.
Molecular consequence: missense variant.
Genome position (GRCh38, 1-based): chr5:132,370,076, C>T. VCF-style: chr5-132370076-C-T. GRCh37 (hg19) VCF-style: chr5-131705768-C-T.
Other names: c.104C>T, p.Thr35Ile (NM_001308122.2); short protein forms T35I.
Identifiers: ClinVar variation 661420 (VCV000661420.1), dbSNP rs759704527, ClinGen allele CA3403782.

ClinVar aggregate classification (germline): Uncertain significance (1 of 4 stars; one submission).

Conditions:
Renal carnitine transport defect (CDSP). Also called: Systemic primary carnitine deficiency; Systemic primary carnitine deficiency disease; CARNITINE DEFICIENCY, SYSTEMIC, DUE TO DEFECT IN RENAL REABSORPTION OF CARNITINE; CARNITINE TRANSPORTER, PLASMA-MEMBRANE, DEFICIENCY OF; CARNITINE UPTAKE DEFECT; Carnitine transporter deficiency. Identifiers: Orphanet 158, MedGen C0342788, MONDO:0008919, OMIM 212140.

Allele frequency attached by ClinVar (database versions not stated): ExAC 0.00001.
gnomAD v4.1: 1 of 1,613,000 alleles (0.000062%); highest among the groups gnomAD compares: Non-Finnish European, 0.000085%; no homozygotes.

Submission:

Labcorp Genetics (formerly Invitae), Labcorp
Classification: Uncertain significance for Renal carnitine transport defect. Last evaluated: 2018-10-19. Review status: criteria provided, single submitter. Criteria: Invitae Variant Classification Sherloc (09022015). Collection method: clinical testing. Allele origin: germline.
Comment: This sequence change replaces threonine with isoleucine at codon 35 of the SLC22A5 protein (p.Thr35Ile). The threonine residue is moderately conserved and there is a moderate physicochemical difference between threonine and isoleucine. This variant is present in population databases (rs759704527, ExAC 0.002%). This variant has not been reported in the literature in individuals with SLC22A5-related disease. Algorithms developed to predict the effect of missense changes on protein structure and function (SIFT, PolyPhen-2, Align-GVGD) all suggest that this variant is likely to be tolerated, but these predictions have not been confirmed by published functional studies and their clinical significance is uncertain. In summary, the available evidence is currently insufficient to determine the role of this variant in disease. Therefore, it has been classified as a Variant of Uncertain Significance.